The following is an entry in ClinVar:

NM_003922.4(HERC1):c.8908T>G (p.Cys2970Gly)

Gene: HERC1 (HECT and RLD domain containing E3 ubiquitin protein ligase family member 1; minus strand). Cytogenetic location: 15q22.31.
Variant type: single nucleotide variant.
Coding change: c.8908T>G on transcript NM_003922.4 (MANE Select); coding-DNA position 8908, T replaced by G.
Protein change: p.Cys2970Gly; replaces cysteine 2970 with glycine.
Molecular consequence: missense variant.
Genome position (GRCh38, 1-based): chr15:63,662,015, A>C on the plus strand (T>G on the coding strand, the complement: HERC1 is on the minus strand). VCF-style: chr15-63662015-A-C. GRCh37 (hg19) VCF-style: chr15-63954214-A-C.
Other names: short protein forms C2970G.
Identifiers: ClinVar variation 4690153 (VCV004690153.1).

ClinVar aggregate classification (germline): Uncertain significance (1 of 4 stars; one submission).

gnomAD v4.1: 93 of 1,610,980 alleles (0.0058%); highest among the groups gnomAD compares: East Asian, 0.2%; no homozygotes.

Submission:

GeneDx
Classification: Uncertain significance. Last evaluated: 2025-07-31. Review status: criteria provided, single submitter. Criteria: GeneDx Variant Classification Process June 2021. Collection method: clinical testing. Allele origin: germline. Affected: yes.
Comment: Not observed at significant frequency in large population cohorts (gnomAD); In silico analysis suggests that this missense variant does not alter protein structure/function; Has not been previously published as pathogenic or benign to our knowledge